The following is an entry in ClinVar:

NM_000059.4(BRCA2):c.1547dup (p.Asn517fs)

Gene: BRCA2 (BRCA2 DNA repair associated; plus strand). Cytogenetic location: 13q13.1.
Variant type: Duplication.
Coding change: c.1547dup on transcript NM_000059.4 (MANE Select); coding-DNA position 1547, one base duplicated (T; older notation c.1547dupT).
Protein change: p.Asn517fs; shifts the reading frame from asparagine 517.
Molecular consequence: frameshift variant. On other transcripts: non-coding transcript variant (1), intron variant (1).
Genome position (GRCh38, 1-based): chr13:32,333,025, T duplicated; the last of 3 consecutive T bases (chr13:32,333,023-32,333,025); duplicating any one gives the same sequence. VCF-style (leftmost placement, unchanged base first): chr13-32333022-C-CT. GRCh37 (hg19) VCF-style: chr13-32907159-C-CT.
Other names: c.1547dup, p.Asn517fs (NM_001406719.1, NM_001406720.1, NM_001406721.1); c.424+1995dup (NM_001406722.1); short protein forms N517fs.
Identifiers: ClinVar variation 2765644 (VCV002765644.4), dbSNP rs80359289, ClinGen allele CA2697551730.

ClinVar aggregate classification (germline): Pathogenic. Review status: criteria provided, multiple submitters, no conflicts (2 of 4 stars). 2 submissions from 2 submitters: Pathogenic (2). Last evaluated 2025-10-22.

Conditions:
Hereditary breast ovarian cancer syndrome. Also called: Hereditary breast and ovarian cancer syndrome; Hereditary breast and ovarian cancer syndrome (HBOC); Hereditary breast and/or ovarian cancer syndrome; BRCA1- and BRCA2-Associated Hereditary Breast and Ovarian Cancer; Hereditary breast and ovarian cancer; Breast and ovarian cancer. Identifiers: Orphanet 145, MedGen C0677776, MeSH D061325, MONDO:0003582. Disease mechanism: loss of function.
Breast-ovarian cancer, familial, susceptibility to, 2 (BROVCA2). Also called: BRCA2 Hereditary Breast and Ovarian Cancer. Identifiers: Orphanet 145, MedGen C2675520, MONDO:0012933, OMIM 612555. Disease mechanism: loss of function.

Submissions (2):

Myriad Genetics, Inc.
Classification: Pathogenic for Breast-ovarian cancer, familial, susceptibility to, 2. Last evaluated: 2025-10-22. Review status: criteria provided, single submitter. Criteria: Myriad Autosomal Dominant, Autosomal Recessive and X-Linked Classification Criteria (2023). Collection method: clinical testing. Allele origin: unknown.
Comment: This variant is considered pathogenic. This variant creates a frameshift predicted to result in premature protein truncation.

Labcorp Genetics (formerly Invitae), Labcorp
Classification: Pathogenic for Hereditary breast ovarian cancer syndrome. Last evaluated: 2023-10-05. Review status: criteria provided, single submitter. Criteria: Invitae Variant Classification Sherloc (09022015). Collection method: clinical testing. Allele origin: germline.
Comment: This sequence change creates a premature translational stop signal (p.Asn517Glnfs*10) in the BRCA2 gene. It is expected to result in an absent or disrupted protein product. Loss-of-function variants in BRCA2 are known to be pathogenic (PMID: 20104584). This variant is not present in population databases (gnomAD no frequency). This variant has not been reported in the literature in individuals affected with BRCA2-related conditions. For these reasons, this variant has been classified as Pathogenic.

Literature cited by the submitters: PubMed 20104584 (cited by Labcorp Genetics (formerly Invitae), Labcorp).